The following is an entry in ClinVar:

ClinVar aggregate classification (germline): Uncertain significance (1 of 4 stars; one submission).

Conditions:
Hereditary cancer-predisposing syndrome. Also called: Tumor predisposition; Hereditary neoplastic syndrome; Neoplastic Syndromes, Hereditary; Hereditary Cancer Syndrome. Identifiers: Orphanet 140162, MedGen C0027672, MeSH D009386, MONDO:0015356.

Submission:

Ambry Genetics
Classification: Uncertain significance for Hereditary cancer-predisposing syndrome. Last evaluated: 2025-05-24. Review status: criteria provided, single submitter. Criteria: Ambry Variant Classification Scheme 2023. Collection method: clinical testing. Allele origin: germline.
Comment: The p.L550R variant (also known as c.1649T>G), located in coding exon 14 of the FANCC gene, results from a T to G substitution at nucleotide position 1649. The leucine at codon 550 is replaced by arginine, an amino acid with dissimilar properties. This amino acid position is conserved. In addition, the in silico prediction for this alteration is inconclusive. Based on the available evidence, the clinical significance of this variant remains unclear.

NM_000136.3(FANCC):c.1649T>G (p.Leu550Arg)

Genes: AOPEP (aminopeptidase O (putative); plus strand), FANCC (FA complementation group C; minus strand). Cytogenetic location: 9q22.32.
Variant type: single nucleotide variant.
Coding change: c.1649T>G on transcript NM_000136.3 (MANE Select); coding-DNA position 1649, T replaced by G.
Protein change: p.Leu550Arg; replaces leucine 550 with arginine.
Molecular consequence: missense variant.
Genome position (GRCh38, 1-based): chr9:95,101,735, A>C on the plus strand (T>G on the coding strand, the complement: FANCC is on the minus strand). VCF-style: chr9-95101735-A-C. GRCh37 (hg19) VCF-style: chr9-97864017-A-C.
Other names: c.1649T>G, p.Leu550Arg (NM_001243743.2); short protein forms L550R.
Identifiers: ClinVar variation 4022425 (VCV004022425.1).